The following is an entry in ClinVar:

ClinVar aggregate classification (germline): Likely pathogenic. Review status: criteria provided, multiple submitters, no conflicts (2 of 4 stars). 2 submissions from 2 submitters: Likely pathogenic (2). Last evaluated 2024-09-24.

Conditions:
Cardiovascular phenotype. Identifiers: MedGen CN230736.
Catecholaminergic polymorphic ventricular tachycardia 1. Also called: VENTRICULAR TACHYCARDIA, CATECHOLAMINERGIC POLYMORPHIC, 1, WITH OR WITHOUT ATRIAL DYSFUNCTION AND/OR DILATED CARDIOMYOPATHY; VENTRICULAR TACHYCARDIA, STRESS-INDUCED POLYMORPHIC 1; RYR2-Related Catecholaminergic Polymorphic Ventricular Tachycardia. Identifiers: Orphanet 3286, MedGen C1631597, MONDO:0011484, OMIM 604772.

Submissions (2):

Ambry Genetics
Classification: Likely pathogenic for Cardiovascular phenotype. Last evaluated: 2024-09-24. Review status: criteria provided, single submitter. Criteria: Ambry Variant Classification Scheme 2023. Collection method: clinical testing. Allele origin: germline.
Comment: The p.V4771F variant (also known as c.14311G>T), located in coding exon 100 of the RYR2 gene, results from a G to T substitution at nucleotide position 14311. The valine at codon 4771 is replaced by phenylalanine, an amino acid with highly similar properties. Another variant at the same codon, p.V4771I (c.14311G>A), has been detected in individuals with features consistent with catecholaminergic polymorphic ventricular tachycardia (CPVT), including de novo occurrences (Priori SG et al. Circulation. 2002; Kawamura M et al. Circ J. 2013; 77(7):1705-13; 106(1):69-74; McLeod KA et al. Cardiol Young. 2017;27(7):1271-1279). This amino acid position is highly conserved in available vertebrate species. In addition, this alteration is predicted to be deleterious by in silico analysis. This variant is considered to be rare based on population cohorts in the Genome Aggregation Database (gnomAD). Based on the majority of available evidence to date, this variant is likely to be pathogenic.

Labcorp Genetics (formerly Invitae), Labcorp
Classification: Likely pathogenic for Catecholaminergic polymorphic ventricular tachycardia 1. Last evaluated: 2022-04-12. Review status: criteria provided, single submitter. Criteria: Invitae Variant Classification Sherloc (09022015). Collection method: clinical testing. Allele origin: germline.
Comment: This variant is not present in population databases (gnomAD no frequency). This sequence change replaces valine, which is neutral and non-polar, with phenylalanine, which is neutral and non-polar, at codon 4771 of the RYR2 protein (p.Val4771Phe). This variant has not been reported in the literature in individuals affected with RYR2-related conditions. In summary, the currently available evidence indicates that the variant is pathogenic, but additional data are needed to prove that conclusively. Therefore, this variant has been classified as Likely Pathogenic. This variant disrupts the p.Val4771 amino acid residue in RYR2. Other variant(s) that disrupt this residue have been determined to be pathogenic (PMID: 12093772, 19926015, 21292648, 23595086, 26114861). This suggests that this residue is clinically significant, and that variants that disrupt this residue are likely to be disease-causing. Advanced modeling of protein sequence and biophysical properties (such as structural, functional, and spatial information, amino acid conservation, physicochemical variation, residue mobility, and thermodynamic stability) performed at Invitae indicates that this missense variant is expected to disrupt RYR2 protein function.

Literature cited by the submitters: PubMed 12093772 (cited by Labcorp Genetics (formerly Invitae), Labcorp); PubMed 19926015 (cited by Labcorp Genetics (formerly Invitae), Labcorp); PubMed 21292648 (cited by Labcorp Genetics (formerly Invitae), Labcorp); PubMed 23595086 (cited by Labcorp Genetics (formerly Invitae), Labcorp); PubMed 26114861 (cited by Labcorp Genetics (formerly Invitae), Labcorp).

NM_001035.3(RYR2):c.14311G>T (p.Val4771Phe)

Gene: RYR2 (ryanodine receptor 2; plus strand). Cytogenetic location: 1q43.
Variant type: single nucleotide variant.
Coding change: c.14311G>T on transcript NM_001035.3 (MANE Select); coding-DNA position 14311, G replaced by T.
Protein change: p.Val4771Phe; replaces valine 4771 with phenylalanine.
Molecular consequence: missense variant.
Genome position (GRCh38, 1-based): chr1:237,808,913, G>T. VCF-style: chr1-237808913-G-T. GRCh37 (hg19) VCF-style: chr1-237972213-G-T.
Other names: c.14311G>T (NM_001035.2); short protein forms V4771F.
Identifiers: ClinVar variation 2125455 (VCV002125455.5), dbSNP rs794728804, ClinGen allele CA345424024.